The following is an entry in ClinVar:

ClinVar aggregate classification (germline): Conflicting classifications of pathogenicity. Review status: criteria provided, conflicting classifications (1 of 4 stars). 18 submissions from 17 submitters: Uncertain significance (1); Benign (11); Likely benign (4). 2 of the submissions do not count toward it. Last evaluated 2026-02-01.

Conditions:
Connective tissue disorder. Also called: Connective tissue disease. Identifiers: MedGen C0009782, MONDO:0003900.
Ehlers-Danlos syndrome (EDS). Identifiers: Orphanet 98249, MedGen C0013720, MONDO:0020066.
Congenital contractural arachnodactyly (CCA). Also called: BEALS SYNDROME; Beals-Hecht syndrome; Arthrogryposis, distal, type 9. Identifiers: Orphanet 115, MedGen C0220668, MONDO:0007363, OMIM 121050.
Familial thoracic aortic aneurysm and aortic dissection (TAAD). Also called: Thoracic aortic aneurysms and dissections. Identifiers: Orphanet 91387, MedGen C4707243, MONDO:0019625.

Allele frequency attached by ClinVar (database versions not stated): 1000 Genomes Project 30x 0.00109; 1000 Genomes Project 0.00120; TOPMed 0.00305; gnomAD 0.00377 and 0.00388; ExAC 0.00384; ESP Exome Variant Server 0.00392; gnomAD exomes 0.00393 and 0.00558.
gnomAD v4.1: 8,575 of 1,613,902 alleles (0.53%); highest among the groups gnomAD compares: Non-Finnish European, 0.65%; 30 homozygotes.

Submissions (18):

CeGaT Center for Human Genetics Tuebingen
Classification: Likely benign. Last evaluated: 2026-02-01. Review status: criteria provided, single submitter. Criteria: CeGaT Center For Human Genetics Tuebingen Variant Classification Criteria Version 2. Collection method: clinical testing. Allele origin: germline. Affected: yes. Observed: 20 variant alleles.
Comment: FBN2: BP4, BP7, BS2

Labcorp Genetics (formerly Invitae), Labcorp
Classification: Benign for Congenital contractural arachnodactyly. Last evaluated: 2026-02-01. Review status: criteria provided, single submitter. Criteria: Invitae Variant Classification Sherloc (09022015). Collection method: clinical testing. Allele origin: germline.

ARUP Laboratories, Molecular Genetics and Genomics, ARUP Laboratories
Classification: Benign. Last evaluated: 2025-07-25. Review status: criteria provided, single submitter. Criteria: ARUP Molecular Germline Variant Investigation Process 2024. Collection method: clinical testing. Allele origin: germline.

Mayo Clinic Laboratories, Mayo Clinic
Classification: Benign. Last evaluated: 2024-12-30. Review status: criteria provided, single submitter. Criteria: ACMG Guidelines, 2015. Collection method: clinical testing. Allele origin: germline. Observed: 5 variant alleles.
Comment: BS1, BS2, BP4, BP7

Blueprint Genetics
Classification: Likely benign. Last evaluated: 2024-11-25. Review status: criteria provided, single submitter. Criteria: ACMG Guidelines, 2015. Collection method: clinical testing. Allele origin: germline.

Women's Health and Genetics/Laboratory Corporation of America, LabCorp
Classification: Benign. Last evaluated: 2023-11-20. Review status: criteria provided, single submitter. Criteria: LabCorp Variant Classification Summary - May 2015. Collection method: clinical testing. Allele origin: germline.

Genome Diagnostics Laboratory, The Hospital for Sick Children
Classification: Benign for Ehlers-Danlos syndrome. Last evaluated: 2021-12-25. Review status: criteria provided, single submitter. Criteria: ACMG Guidelines, 2015. Collection method: clinical testing. Allele origin: germline.

Genome Diagnostics Laboratory, The Hospital for Sick Children
Classification: Benign for Connective tissue disorder. Last evaluated: 2020-01-01. Review status: criteria provided, single submitter. Criteria: ACMG Guidelines, 2015. Collection method: clinical testing. Allele origin: germline.

Illumina Laboratory Services, Illumina
Classification: Benign for Congenital contractural arachnodactyly. Last evaluated: 2018-01-12. Review status: criteria provided, single submitter. Criteria: ICSL Variant Classification Criteria 13 December 2019. Collection method: clinical testing. Allele origin: germline.
Comment: This variant was observed in the ICSL laboratory as part of a predisposition screen in an ostensibly healthy population. It had not been previously curated by ICSL or reported in the Human Gene Mutation Database (HGMD: prior to June 1st, 2018), and was therefore a candidate for classification through an automated scoring system. Utilizing variant allele frequency, disease prevalence and penetrance estimates, and inheritance mode, an automated score was calculated to assess if this variant is too frequent to cause the disease. Based on the score and internal cut-off values, a variant classified as benign is not then subjected to further curation. The score for this variant resulted in a classification of benign for this disease.

Center for Human Genetics, Inc
Classification: Likely benign for Connective tissue disorder. Last evaluated: 2016-11-01. Review status: criteria provided, single submitter. Criteria: ACMG Guidelines, 2015. Collection method: clinical testing. Allele origin: germline. Affected: yes.

Genetic Services Laboratory, University of Chicago
Classification: Uncertain significance. Last evaluated: 2015-02-13. Review status: criteria provided, single submitter. Criteria: ACMG Guidelines, 2015. Collection method: clinical testing. Allele origin: germline.

Eurofins Ntd Llc (ga)
Classification: Benign. Last evaluated: 2015-01-19. Review status: criteria provided, single submitter. Criteria: EGL Classification Definitions 2015. Collection method: clinical testing. Allele origin: germline. Observed: 1 variant allele, 1 heterozygote.

Ambry Genetics
Classification: Likely benign for Familial thoracic aortic aneurysm and aortic dissection. Last evaluated: 2014-12-23. Review status: criteria provided, single submitter. Criteria: Ambry Variant Classification Scheme 2023. Collection method: clinical testing. Allele origin: germline.

Laboratory for Molecular Medicine, Mass General Brigham Personalized Medicine
Classification: Benign. Last evaluated: 2013-04-04. Review status: criteria provided, single submitter. Criteria: LMM Criteria. Collection method: clinical testing. Allele origin: germline. Observed: 3 variant alleles.
Comment: Arg1832Arg in exon 43 of FBN2: This variant is not expected to have clinical sig nificance because it does not alter an amino acid residue and is not located wit hin the splice consensus sequence. It has been identified in 0.5% (45/8600) of E uropean American chromosomes from a broad population by the NHLBI Exome Sequenci ng Project (dbSNP rs35346129).

GeneDx
Classification: Benign. Last evaluated: 2013-02-19. Review status: criteria provided, single submitter. Criteria: GeneDx Variant Classification (06012015). Collection method: clinical testing. Allele origin: germline. Affected: yes.
Comment: This variant is considered likely benign or benign based on one or more of the following criteria: it is a conservative change, it occurs at a poorly conserved position in the protein, it is predicted to be benign by multiple in silico algorithms, and/or has population frequency not consistent with disease.

PreventionGenetics, part of Exact Sciences
Classification: Benign. Review status: criteria provided, single submitter. Criteria: ACMG Guidelines, 2015. Collection method: clinical testing. Allele origin: germline.

Genome Diagnostics Laboratory, University Medical Center Utrecht
Classification: Benign. Review status: no assertion criteria provided. Collection method: clinical testing. Allele origin: germline. Affected: yes. Study: VKGL Data-share Consensus. Not counted in ClinVar's aggregate classification.

Laboratory of Diagnostic Genome Analysis, Leiden University Medical Center (LUMC)
Classification: Likely benign. Review status: no assertion criteria provided. Collection method: clinical testing. Allele origin: germline. Affected: yes. Study: VKGL Data-share Consensus. Not counted in ClinVar's aggregate classification.

NM_001999.4(FBN2):c.5496C>T (p.Arg1832=)

Gene: FBN2 (fibrillin 2; minus strand). Cytogenetic location: 5q23.3.
Variant type: single nucleotide variant.
Coding change: c.5496C>T on transcript NM_001999.4 (MANE Select); coding-DNA position 5496, C replaced by T.
Protein change: p.Arg1832=; no amino-acid change (arginine 1832 retained).
Molecular consequence: synonymous variant.
Genome position (GRCh38, 1-based): chr5:128,305,875, G>A on the plus strand (C>T on the coding strand, the complement: FBN2 is on the minus strand). VCF-style: chr5-128305875-G-A. GRCh37 (hg19) VCF-style: chr5-127641567-G-A.
Other names: p.Arg1832=.
Identifiers: ClinVar variation 137341 (VCV000137341.76), dbSNP rs35346129, ClinGen allele CA211147.